The following is an entry in ClinVar:

ClinVar aggregate classification (germline): Conflicting classifications of pathogenicity. Review status: criteria provided, conflicting classifications (1 of 4 stars). 3 submissions from 3 submitters: Uncertain significance (2); Likely benign (1). Last evaluated 2025-11-26.

Allele frequency attached by ClinVar (database versions not stated): 1000 Genomes Project 0.00040; ESP Exome Variant Server 0.00016; TOPMed 0.00022; 1000 Genomes Project 30x 0.00047; gnomAD exomes 0.00003; ExAC 0.00004; gnomAD 0.00023.
gnomAD v4.1: 91 of 1,612,016 alleles (0.0056%); highest among the groups gnomAD compares: African/African-American, 0.072%; 1 homozygote.

Submissions (3):

Labcorp Genetics (formerly Invitae), Labcorp
Classification: Uncertain significance. Last evaluated: 2025-11-26. Review status: criteria provided, single submitter. Criteria: Invitae Variant Classification Sherloc (09022015). Collection method: clinical testing. Allele origin: germline.
Comment: This sequence change replaces alanine, which is neutral and non-polar, with threonine, which is neutral and polar, at codon 318 of the NUP62 protein (p.Ala318Thr). This variant is present in population databases (rs139269985, gnomAD 0.07%), and has an allele count higher than expected for a pathogenic variant. This variant has not been reported in the literature in individuals affected with NUP62-related conditions. ClinVar contains an entry for this variant (Variation ID: 2139891). An algorithm developed to predict the effect of missense changes on protein structure and function outputs the following: PolyPhen-2: "Benign". The threonine amino acid residue is found in multiple mammalian species, which suggests that this missense change does not adversely affect protein function. In summary, the available evidence is currently insufficient to determine the role of this variant in disease. Therefore, it has been classified as a Variant of Uncertain Significance.

Ambry Genetics
Classification: Uncertain significance. Last evaluated: 2025-02-20. Review status: criteria provided, single submitter. Criteria: Ambry Variant Classification Scheme 2023. Collection method: clinical testing. Allele origin: germline.

Blueprint Genetics
Classification: Likely benign. Last evaluated: 2023-02-15. Review status: criteria provided, single submitter. Criteria: ACMG Guidelines, 2015. Collection method: clinical testing. Allele origin: germline.

NM_016553.5(NUP62):c.952G>A (p.Ala318Thr)

Genes: IL4I1 (interleukin 4 induced 1; minus strand), NUP62 (nucleoporin 62; minus strand). Cytogenetic location: 19q13.33.
Variant type: single nucleotide variant.
Coding change: c.952G>A on transcript NM_016553.5 (MANE Select); coding-DNA position 952, G replaced by A.
Protein change: p.Ala318Thr; replaces alanine 318 with threonine.
Molecular consequence: missense variant. On other transcripts: intron variant (3).
Genome position (GRCh38, 1-based): chr19:49,908,856, C>T on the plus strand (G>A on the coding strand, the complement: NUP62 is on the minus strand). VCF-style: chr19-49908856-C-T. GRCh37 (hg19) VCF-style: chr19-50412113-C-T.
Other names: c.952G>A, p.Ala318Thr (NM_001193357.2, NM_012346.5, NM_153718.4 and 1 more transcripts); c.-227-4535G>A (NM_001258017.2, NM_172374.3); c.-285-4535G>A (NM_001258018.2); short protein forms A318T.
Identifiers: ClinVar variation 2139891 (VCV002139891.5), dbSNP rs139269985, ClinGen allele CA9588987.